The following is an entry in ClinVar:

NM_015338.6(ASXL1):c.3437C>A (p.Ser1146Ter)

Gene: ASXL1 (ASXL transcriptional regulator 1; plus strand). Cytogenetic location: 20q11.21.
Variant type: single nucleotide variant.
Coding change: c.3437C>A on transcript NM_015338.6 (MANE Select); coding-DNA position 3437, C replaced by A.
Protein change: p.Ser1146Ter; replaces serine 1146 with a stop codon.
Molecular consequence: nonsense.
Genome position (GRCh38, 1-based): chr20:32,436,149, C>A. VCF-style: chr20-32436149-C-A. GRCh37 (hg19) VCF-style: chr20-31023952-C-A.
Other names: c.3254C>A, p.Ser1085Ter (NM_001363734.1); short protein forms S1085*, S1146*.
Identifiers: ClinVar variation 1031902 (VCV001031902.1), dbSNP rs757040754, ClinGen allele CA408563062.
Genomic context (GRCh38, chr20:32,436,149, plus strand): 5'-ACGATGACAGCATGTCAGAATCCCCACAAGTACCACTTACAAAAGACCAGAGCCATGGCT[C>A]GCTACGCATGGGATCTTTACATGGTCTTGGAAAAAACAGTGGCATGGTTGATGGAAGCAG-3'

ClinVar aggregate classification (germline): Pathogenic (1 of 4 stars; one submission).

Conditions:
Bohring-Opitz syndrome. Also called: C-LIKE SYNDROME; BOHRING SYNDROME; OPITZ TRIGONOCEPHALY-LIKE SYNDROME; ASXL1-Related Bohring-Opitz Syndrome. Identifiers: Orphanet 97297, MedGen C0796232, MONDO:0011510, OMIM 605039.

Submission:

Baylor Genetics
Classification: Pathogenic for Bohring-Opitz syndrome. Last evaluated: 2018-05-11. Review status: criteria provided, single submitter. Criteria: ACMG Guidelines, 2015. Collection method: clinical testing. Allele origin: de novo. Affected: yes.
Comment: This variant was determined to be pathogenic according to ACMG Guidelines, 2015 [PMID:25741868].